The following is an entry in ClinVar:

ClinVar aggregate classification (germline): Likely benign (0 of 4 stars; one submission).

Conditions:
AVIL-related disorder. Also called: AVIL-related condition.

Allele frequency attached by ClinVar (database versions not stated): gnomAD 0.00001; TOPMed below 0.00001.
gnomAD v4.1: 1 of 1,613,840 alleles (0.000062%); highest among the groups gnomAD compares: Non-Finnish European, 0.000085%; no homozygotes.

Submission:

PreventionGenetics, part of Exact Sciences
Classification: Likely benign for AVIL-related condition. Last evaluated: 2022-05-25. Review status: no assertion criteria provided. Collection method: clinical testing. Allele origin: germline.
Comment: This variant is classified as likely benign based on ACMG/AMP sequence variant interpretation guidelines (Richards et al. 2015 PMID: 25741868, with internal and published modifications).

NM_006576.4(AVIL):c.2037G>A (p.Leu679=)

Genes: AVIL (advillin; minus strand), TSFM (Ts translation elongation factor, mitochondrial; plus strand). Cytogenetic location: 12q14.1.
Variant type: single nucleotide variant.
Coding change: c.2037G>A on transcript NM_006576.4 (MANE Select); coding-DNA position 2037, G replaced by A.
Protein change: p.Leu679=; no amino-acid change (leucine 679 retained).
Molecular consequence: synonymous variant. On other transcripts: intron variant (1).
Genome position (GRCh38, 1-based): chr12:57,802,274, C>T on the plus strand (G>A on the coding strand, the complement: AVIL is on the minus strand). VCF-style: chr12-57802274-C-T. GRCh37 (hg19) VCF-style: chr12-58196057-C-T.
Other names: c.572-281C>T (NM_001172697.2).
Identifiers: ClinVar variation 3050431 (VCV003050431.2), dbSNP rs1397822579, ClinGen allele CA480287282.